The following is an entry in ClinVar:

NM_080680.3(COL11A2):c.1446+3G>A

Gene: COL11A2 (collagen type XI alpha 2 chain; minus strand). Cytogenetic location: 6p21.32.
Variant type: single nucleotide variant.
Coding change: c.1446+3G>A on transcript NM_080680.3 (MANE Select); 3 bases into the intron after coding-DNA position 1446, G replaced by A.
Molecular consequence: intron variant.
Genome position (GRCh38, 1-based): chr6:33,179,716, C>T on the plus strand (G>A on the coding strand, the complement: COL11A2 is on the minus strand). VCF-style: chr6-33179716-C-T. GRCh37 (hg19) VCF-style: chr6-33147493-C-T.
Other names: c.420+3G>A (NM_001424111.1, NM_001424110.1); c.1125+3G>A (NM_080679.3); c.1188+3G>A (NM_080681.3); c.1266+3G>A (NM_001424108.1); c.600+3G>A (NM_001424109.1).
Identifiers: ClinVar variation 2710711 (VCV002710711.3), dbSNP rs1217158496, ClinGen allele CA449837672.

ClinVar aggregate classification (germline): Uncertain significance (1 of 4 stars; one submission).

Allele frequency attached by ClinVar (database versions not stated): gnomAD exomes below 0.00001; gnomAD 0.00001.
gnomAD v4.1: 2 of 1,611,692 alleles (0.00012%); highest among the groups gnomAD compares: Non-Finnish European, 0.00017%; no homozygotes.

Submission:

Labcorp Genetics (formerly Invitae), Labcorp
Classification: Uncertain significance. Last evaluated: 2024-01-21. Review status: criteria provided, single submitter. Criteria: Invitae Variant Classification Sherloc (09022015). Collection method: clinical testing. Allele origin: germline.
Comment: This sequence change falls in intron 13 of the COL11A2 gene. It does not directly change the encoded amino acid sequence of the COL11A2 protein. It affects a nucleotide within the consensus splice site. This variant is present in population databases (no rsID available, gnomAD 0.007%). This variant has not been reported in the literature in individuals affected with COL11A2-related conditions. Variants that disrupt the consensus splice site are a relatively common cause of aberrant splicing (PMID: 17576681, 9536098). Algorithms developed to predict the effect of sequence changes on RNA splicing suggest that this variant is not likely to affect RNA splicing. In summary, the available evidence is currently insufficient to determine the role of this variant in disease. Therefore, it has been classified as a Variant of Uncertain Significance.

Literature cited by the submitters: PubMed 17576681; PubMed 9536098.